The following is an entry in ClinVar:

ClinVar aggregate classification (germline): Uncertain significance. Review status: criteria provided, multiple submitters, no conflicts (2 of 4 stars). 6 submissions from 6 submitters: Uncertain significance (4). 2 of the submissions do not count toward it. Last evaluated 2024-02-05.

Conditions:
Bardet-Biedl syndrome 1 (BBS1). Identifiers: MedGen C2936862, MONDO:0008854, OMIM 209900. Disease mechanism: loss of function.
BBS1-related disorder. Also called: BBS1-related condition.
Bardet-Biedl syndrome (BBS). Identifiers: Orphanet 110, MedGen C0752166, MONDO:0015229.

Allele frequency attached by ClinVar (database versions not stated): gnomAD 0.00002 and 0.00003; gnomAD exomes 0.00004 and 0.00020; TOPMed 0.00008; 1000 Genomes Project 30x 0.00016; ExAC 0.00018; 1000 Genomes Project 0.00020.
gnomAD v4.1: 58 of 1,613,856 alleles (0.0036%); highest among the groups gnomAD compares: Admixed American, 0.093%; no homozygotes.

Submissions (6):

Fulgent Genetics
Classification: Uncertain significance for Bardet-Biedl syndrome 1. Last evaluated: 2024-02-05. Review status: criteria provided, single submitter. Criteria: ACMG Guidelines, 2015. Collection method: clinical testing. Allele origin: germline.

Labcorp Genetics (formerly Invitae), Labcorp
Classification: Uncertain significance for Bardet-Biedl syndrome. Last evaluated: 2022-07-29. Review status: criteria provided, single submitter. Criteria: Invitae Variant Classification Sherloc (09022015). Collection method: clinical testing. Allele origin: germline.
Comment: This sequence change replaces arginine, which is basic and polar, with serine, which is neutral and polar, at codon 119 of the BBS1 protein (p.Arg119Ser). This variant is present in population databases (rs190513580, gnomAD 0.1%). This variant has not been reported in the literature in individuals affected with BBS1-related conditions. ClinVar contains an entry for this variant (Variation ID: 990063). Algorithms developed to predict the effect of missense changes on protein structure and function (SIFT, PolyPhen-2, Align-GVGD) all suggest that this variant is likely to be disruptive. In summary, the available evidence is currently insufficient to determine the role of this variant in disease. Therefore, it has been classified as a Variant of Uncertain Significance.

Blueprint Genetics
Classification: Uncertain significance. Last evaluated: 2022-06-30. Review status: criteria provided, single submitter. Criteria: ACMG Guidelines, 2015. Collection method: clinical testing. Allele origin: germline.

Revvity Omics, Revvity
Classification: Uncertain significance for Bardet-Biedl syndrome 1. Last evaluated: 2021-08-05. Review status: criteria provided, single submitter. Criteria: ACMG Guidelines, 2015. Collection method: clinical testing. Allele origin: germline.

Natera, Inc.
Classification: Uncertain significance for Bardet-Biedl syndrome type 1. Last evaluated: 2020-04-14. Review status: no assertion criteria provided. Collection method: clinical testing. Allele origin: germline. Not counted in ClinVar's aggregate classification.

PreventionGenetics, part of Exact Sciences
Classification: Likely benign for BBS1-related condition. Last evaluated: 2020-01-02. Review status: no assertion criteria provided. Collection method: clinical testing. Allele origin: germline. Not counted in ClinVar's aggregate classification.
Comment: This variant is classified as likely benign based on ACMG/AMP sequence variant interpretation guidelines (Richards et al. 2015 PMID: 25741868, with internal and published modifications).

NM_024649.5(BBS1):c.357A>T (p.Arg119Ser)

Gene: BBS1 (Bardet-Biedl syndrome 1; plus strand). Cytogenetic location: 11q13.2.
Variant type: single nucleotide variant.
Coding change: c.357A>T on transcript NM_024649.5 (MANE Select); coding-DNA position 357, A replaced by T.
Protein change: p.Arg119Ser; replaces arginine 119 with serine.
Molecular consequence: missense variant.
Genome position (GRCh38, 1-based): chr11:66,514,603, A>T. VCF-style: chr11-66514603-A-T. GRCh37 (hg19) VCF-style: chr11-66282074-A-T.
Other names: c.357A>T (NM_024649.4); short protein forms R119S.
Identifiers: ClinVar variation 990063 (VCV000990063.11), dbSNP rs190513580, ClinGen allele CA6123312.